The following is an entry in ClinVar:

ClinVar aggregate classification (germline): Uncertain significance. Review status: criteria provided, multiple submitters, no conflicts (2 of 4 stars). 2 submissions from 2 submitters: Uncertain significance (2). Last evaluated 2026-07-08.

Conditions:
Hereditary cancer-predisposing syndrome. Also called: Hereditary neoplastic syndrome; Neoplastic Syndromes, Hereditary; Tumor predisposition; Hereditary Cancer Syndrome. Identifiers: Orphanet 140162, MedGen C0027672, MeSH D009386, MONDO:0015356.
Familial cancer of breast. Also called: Hereditary breast cancer; BREAST CANCER, FAMILIAL; hereditary breast carcinoma. Identifiers: Orphanet 227535, MedGen C0346153, MONDO:0016419, OMIM 114480. Disease mechanism: loss of function.

Submissions (2):

Ambry Genetics
Classification: Uncertain significance for Hereditary cancer-predisposing syndrome. Last evaluated: 2026-07-08. Review status: criteria provided, single submitter. Criteria: Ambry Variant Classification Scheme 2023. Collection method: clinical testing. Allele origin: germline.
Comment: The p.Q10P variant (also known as c.29A>C), located in coding exon 1 of the CHEK2 gene, results from an A to C substitution at nucleotide position 29. The glutamine at codon 10 is replaced by proline, an amino acid with similar properties. This amino acid position is highly conserved in available vertebrate species. In addition, this alteration is predicted to be deleterious by in silico analysis. Based on the available evidence, the clinical significance of this variant remains unclear.

Labcorp Genetics (formerly Invitae), Labcorp
Classification: Uncertain significance for Familial cancer of breast. Last evaluated: 2022-05-17. Review status: criteria provided, single submitter. Criteria: Invitae Variant Classification Sherloc (09022015). Collection method: clinical testing. Allele origin: germline.
Comment: In summary, the available evidence is currently insufficient to determine the role of this variant in disease. Therefore, it has been classified as a Variant of Uncertain Significance. Algorithms developed to predict the effect of missense changes on protein structure and function are either unavailable or do not agree on the potential impact of this missense change (SIFT: "Deleterious"; PolyPhen-2: "Benign"; Align-GVGD: "Class C0"). This variant has not been reported in the literature in individuals affected with CHEK2-related conditions. This variant is not present in population databases (gnomAD no frequency). This sequence change replaces glutamine, which is neutral and polar, with proline, which is neutral and non-polar, at codon 10 of the CHEK2 protein (p.Gln10Pro).

NM_007194.4(CHEK2):c.29A>C (p.Gln10Pro)

Gene: CHEK2 (checkpoint kinase 2; minus strand). Cytogenetic location: 22q12.1.
Variant type: single nucleotide variant.
Coding change: c.29A>C on transcript NM_007194.4 (MANE Select); coding-DNA position 29, A replaced by C.
Protein change: p.Gln10Pro; replaces glutamine 10 with proline.
Molecular consequence: missense variant.
Genome position (GRCh38, 1-based): chr22:28,734,693, T>G on the plus strand (A>C on the coding strand, the complement: CHEK2 is on the minus strand). VCF-style: chr22-28734693-T-G. GRCh37 (hg19) VCF-style: chr22-29130681-T-G.
Other names: c.29A>C (NM_007194.3); c.29A>C, p.Gln10Pro (NM_001005735.3, NM_001349956.3, NM_145862.3); c.-749A>C (NM_001257387.3); short protein forms Q10P.
Identifiers: ClinVar variation 1995445 (VCV001995445.5), dbSNP rs2146156178, ClinGen allele CA411092007.
Genomic context (GRCh38, chr22:28,734,693, plus strand): 5'-CCTTGGGACTGGGTAACGCTGCCATGGGGCTGTGAACAGGCACTGCTGCCATGAGACTGC[T>G]GAGCCTCAACATCCGACTCCCGAGACATCACGACCTCAAAAAGAAAGTGTCCAACAACAA-3'
Protein context (NP_009125.1, residues 1-20): MSRESDVEA[Gln10Pro]QSHGSSACSQ